The following is an entry in ClinVar:

ClinVar aggregate classification (germline): Uncertain significance. Review status: reviewed by expert panel (3 of 4 stars). 16 submissions from 16 submitters: Uncertain significance (1). 15 of the submissions do not count toward it. Last evaluated 2023-09-19.

Conditions:
Cardiovascular phenotype. Identifiers: MedGen CN230736.
Glycogen storage disease, type II (IOPD). Also called: GLYCOGENOSIS, GENERALIZED, CARDIAC FORM; GSD II; Glycogen storage disease type 2; Acid maltase deficiency disease; Aglucosidase alfa; Deficiency of alpha-glucosidase. Identifiers: Orphanet 365, MedGen C0017921, MONDO:0009290, OMIM 232300.

Allele frequency attached by ClinVar (database versions not stated): gnomAD exomes 0.00010 and 0.00024; ExAC 0.00032; gnomAD 0.00089 and 0.00101; TOPMed 0.00100; ESP Exome Variant Server 0.00108.
gnomAD v4.1: 287 of 1,613,124 alleles (0.018%); highest among the groups gnomAD compares: African/African-American, 0.28%; no homozygotes.

Submissions (16):

ClinGen Lysosomal Storage Disorder Variant Curation Expert Panel
Classification: Uncertain significance for Glycogen storage disease, type II. Last evaluated: 2023-09-19. Review status: reviewed by expert panel. Criteria: clingen_lsd_acmg_specifications_v2-1. Collection method: curation. Allele origin: germline. Inheritance: Autosomal recessive inheritance.
Comment: The NM_000152.5:c.726G>A variant in GAA is a synonymous (silent) variant (p.Ala242=) that is predicted to impact splicing. This variant has been detected in at least 10 individuals with low GAA activity. Of those individuals, 8 were compound heterozygous for the variant and a pathogenic or likely pathogenic variant and 3 of those were confirmed in trans by parental testing (c.726G>A/c.525delT; 5 patients with the genotype c.−32-13T>G; 726G>A, confirmed in trans in 3 patients, PMID: 36310651; c.726G>A / c.671G>A; c.726G>A / c.1979G>A; c.726G>A and c.2560C>T), however there is no diagnosis of Pompe disease and PM3 and PP4 are not met. The computational splicing predictor SpliceAI gives a score of 0.96 for acceptor gain, predicting that the variant creates a new cryptic splice site that is stronger than the original splice site. VarSeak also classifies this variant as having a likely splicing effect by generating a cryptic splice site 35 nucleotides downstream of the authentic splice site with a higher score, meeting PP3. This is confirmed by RNA sequencing data for an individual with the c.726G>A variant demonstrated that the variant impacts splicing by introducing an alternate splice site that results in exon shrinkage. The data suggest that this results in a frameshift and introduces a premature termination codon, however the expression is not reduced, indicating a truncated protein is produced (PMID: 35304488), meeting PS3_Supporting. There is a ClinVar entry for this variant (Variation ID: 285366, 1 star review status) with 10 submitters classifying the variant as VUS (4 submitters), likely benign (3 submitters), and benign (1 submitter). In summary, this variant meets the criteria to be classified as a variant of uncertain significance for Pompe disease. ACMG/AMP criteria applied, as specified by the ClinGen Lysosomal Diseases Variant Curation Expert Panel (specifications Version 2.0): PP3, PS3_Supporting. (Classification approved by the ClinGen Lysosomal Diseases VCEP on Sept. 19, 2023)

Genomenon, Inc
Classification: Uncertain significance for Glycogen storage disease, type II. Last evaluated: 2026-07-01. Review status: criteria provided, single submitter. Criteria: Genomenon Sequence Variant Interpretation Standards - Updated. Collection method: curation. Allele origin: germline. Affected: yes. Not counted in ClinVar's aggregate classification.
Comment: GAA c.726G>A is a synonymous variant that retains Alanine at codon 242. This variant has been observed in at least one proband with a GAA-related disorder in the compound heterozygous and/or homozygous state (PMID:33073003;37414610). Splicing studies have been reported (PMID:35304488). In silico models predict that this variant is possibly or probably damaging. In conclusion, we classify GAA c.726G>A (p.Ala242=) as a variant of uncertain significance.

Women's Health and Genetics/Laboratory Corporation of America, LabCorp
Classification: Likely benign. Last evaluated: 2026-03-27. Review status: criteria provided, single submitter. Criteria: LabCorp Variant Classification Summary - May 2015. Collection method: clinical testing. Allele origin: germline. Not counted in ClinVar's aggregate classification.

Labcorp Genetics (formerly Invitae), Labcorp
Classification: Benign for Glycogen storage disease, type II. Last evaluated: 2026-01-27. Review status: criteria provided, single submitter. Criteria: Invitae Variant Classification Sherloc (09022015). Collection method: clinical testing. Allele origin: germline. Not counted in ClinVar's aggregate classification.

Clinical Genomics Laboratory, Washington University in St. Louis
Classification: Uncertain significance for Glycogen storage disease, type II. Last evaluated: 2025-10-07. Review status: criteria provided, single submitter. Criteria: ACMG Guidelines, 2015. Collection method: clinical testing. Allele origin: germline. Not counted in ClinVar's aggregate classification.
Comment: A GAA c. 726G>A (p.Ala242=) variant was identified in a heterozygous state. The GAA c. 726G>A (p.Ala242=) variant has been reported in several individuals being screened for Pompe disease (Gragnaniello V et al., PMID: 36310651; Burton BK et al., PMID: 33073003; Tang H et al., PMID: 33073007). Computational predictors indicate that this variant would alter splicing, evidence that correlates to an impact of this variant GAA function. In support of this prediction, functional studies show a damaging effect on the gene or gene product (loss of cryptic splice acceptor and gain of new cryptic splice acceptor site), indicating that this variant impacts protein function (Gragnaniello V et al., PMID: 36310651) (ClinGen expert panel: ui/classification/CA8815004/MONDO:0009290/010). The GAA c. 726G>A (p.Ala242=) variant has been reported in the ClinVar database as a germline variant of uncertain significance by six submitters, including an expert panel and a likely benign/benign variant by six submitters (ClinVar Variation ID: 285366). Due to limited information, and based on ACMG/AMP guidelines for variant interpretation (Richards S et al., PMID: 25741868), the clinical significance of this variant is uncertain at this time.

GeneDx
Classification: Uncertain significance. Last evaluated: 2025-09-24. Review status: criteria provided, single submitter. Criteria: GeneDx Variant Classification Process June 2021. Collection method: clinical testing. Allele origin: germline. Affected: yes. Not counted in ClinVar's aggregate classification.
Comment: In silico analysis supports a deleterious effect on splicing; This variant is associated with the following publications: (PMID: 33073003, 33073007, 33202836, 36310651)

Ambry Genetics
Classification: Uncertain significance for Cardiovascular phenotype. Last evaluated: 2025-08-21. Review status: criteria provided, single submitter. Criteria: Ambry Variant Classification Scheme 2023. Collection method: clinical testing. Allele origin: germline. Not counted in ClinVar's aggregate classification.
Comment: The c.726G>A variant (also known as p.A242A), located in coding exon 3 of the GAA gene, results from a G to A substitution at nucleotide position 726. This nucleotide substitution does not change the alanine at codon 242. This alteration has been reported in newborn screening programs for Pompe disease (Tang H et al. Int J Neonatal Screen, 2020 Mar;6:9; Ficicioglu C et al. Int J Neonatal Screen, 2020 Nov;6; Gragnaniello V et al. Mol Genet Metab Rep, 2022 Dec;33:100929; Burton BK et al. Int J Neonatal Screen, 2020 Mar;6:4). This nucleotide position is poorly conserved in available vertebrate species. In silico splice site analysis predicts that this alteration will result in the creation or strengthening of a novel splice acceptor site. Since supporting evidence is limited at this time, the clinical significance of this alteration remains unclear.

Mayo Clinic Laboratories, Mayo Clinic
Classification: Uncertain significance. Last evaluated: 2025-08-20. Review status: criteria provided, single submitter. Criteria: ACMG Guidelines, 2015. Collection method: clinical testing. Allele origin: germline. Observed: 7 variant alleles. Not counted in ClinVar's aggregate classification.
Comment: PP3, PS3_supporting

Revvity Omics, Revvity
Classification: Uncertain significance. Last evaluated: 2025-02-04. Review status: criteria provided, single submitter. Criteria: ACMG Guidelines, 2015. Collection method: clinical testing. Allele origin: germline. Not counted in ClinVar's aggregate classification.

Blueprint Genetics
Classification: Likely benign. Last evaluated: 2024-08-15. Review status: criteria provided, single submitter. Criteria: ACMG Guidelines, 2015. Collection method: clinical testing. Allele origin: germline. Not counted in ClinVar's aggregate classification.

ARUP Laboratories, Molecular Genetics and Genomics, ARUP Laboratories
Classification: Likely benign for Glycogen storage disease, type II. Last evaluated: 2023-09-28. Review status: criteria provided, single submitter. Criteria: ARUP Molecular Germline Variant Investigation Process 2024. Collection method: clinical testing. Allele origin: germline. Not counted in ClinVar's aggregate classification.

Genome-Nilou Lab
Classification: Likely benign for Glycogen storage disease, type II. Last evaluated: 2021-07-22. Review status: criteria provided, single submitter. Criteria: ACMG Guidelines, 2015. Collection method: clinical testing. Allele origin: germline. Affected: no. Not counted in ClinVar's aggregate classification.

Broad Center for Mendelian Genomics, Broad Institute of MIT and Harvard
Classification: Likely benign for Glycogen storage disease, type II. Last evaluated: 2020-01-22. Review status: criteria provided, single submitter. Criteria: ACMG Guidelines, 2015. Collection method: curation. Allele origin: germline. Inheritance: Autosomal recessive inheritance. Not counted in ClinVar's aggregate classification.
Comment: The c.726G>A (p.Ala242=) variant in GAA has not been previously reported in individuals with Glycogen Storage Disease II but has been reported as a VUS (by EGL and Illumina), a likely benign variant (by GeneDx and Mayo Clinic Genetic Testing Laboratories), and a benign variant (by Invitae) in ClinVar (Variation ID: 285366). This variant has been identified in 0.2769% (69/24916) of African chromosomes, including 1 homozygote, and 0.04516% (16/35432) of Latino chromosomes by the Genome Aggregation Database (gnomAD; dbSNP rs148578399). Although this variant has been seen in the general population, its frequency is low enough to be consistent with a recessive carrier frequency. Computational prediction tools and conservation analyses suggest that this variant may not impact the protein, though this information is not predictive enough to rule out pathogenicity. However, novel synonymous variants supported by computational evidence without raised suspicion for an impact are likely benign (Richards 2015). In summary, although additional studies are required to fully establish its clinical significance, this variant is likely benign. ACMG/AMP Criteria applied: BP4, BP7 (Richards 2015).

Eurofins Ntd Llc (ga)
Classification: Uncertain significance. Last evaluated: 2018-01-18. Review status: criteria provided, single submitter. Criteria: EGL Classification Definitions 2015. Collection method: clinical testing. Allele origin: germline. Observed: 3 variant alleles, 3 heterozygotes. Not counted in ClinVar's aggregate classification.

Illumina Laboratory Services, Illumina
Classification: Uncertain significance for Glycogen storage disease, type II. Last evaluated: 2018-01-13. Review status: criteria provided, single submitter. Criteria: ICSL Variant Classification Criteria 13 December 2019. Collection method: clinical testing. Allele origin: germline. Not counted in ClinVar's aggregate classification.

Natera, Inc.
Classification: Likely benign for Glycogen storage disease type II. Last evaluated: 2019-10-24. Review status: no assertion criteria provided. Collection method: clinical testing. Allele origin: germline. Not counted in ClinVar's aggregate classification.

Literature cited by the submitters: PubMed 33073003 (cited by 3 submitters); PubMed 37414610 (cited by Genomenon, Inc and Mayo Clinic Laboratories, Mayo Clinic); PubMed 35304488 (cited by Genomenon, Inc and Mayo Clinic Laboratories, Mayo Clinic); PubMed 33073007 (cited by Ambry Genetics and Mayo Clinic Laboratories, Mayo Clinic); PubMed 33202836 (cited by Ambry Genetics and Mayo Clinic Laboratories, Mayo Clinic); PubMed 36310651 (cited by Ambry Genetics and Mayo Clinic Laboratories, Mayo Clinic).

NM_000152.5(GAA):c.726G>A (p.Ala242=)

Gene: GAA (alpha glucosidase; plus strand). Cytogenetic location: 17q25.3.
Variant type: single nucleotide variant.
Coding change: c.726G>A on transcript NM_000152.5 (MANE Select); coding-DNA position 726, G replaced by A.
Protein change: p.Ala242=; no amino-acid change (alanine 242 retained).
Molecular consequence: synonymous variant.
Genome position (GRCh38, 1-based): chr17:80,107,590, G>A. VCF-style: chr17-80107590-G-A. GRCh37 (hg19) VCF-style: chr17-78081389-G-A.
Other names: NM_000152.5(GAA):c.726G>A; c.726G>A (LRG_673t1); c.726G>A, p.Ala242= (NM_001079803.3, NM_001079804.3).
Identifiers: ClinVar variation 285366 (VCV000285366.48), dbSNP rs148578399, ClinGen allele CA8815004.
Genomic context (GRCh38, chr17:80,107,590, plus strand): 5'-CAAGCCTGGCTGGCCTCTGTCCCGCAGGCTGAACACGACGGTGGCGCCCCTGTTCTTTGC[G>A]GACCAGTTCCTTCAGCTGTCCACCTCGCTGCCCTCGCAGTATATCACAGGCCTCGCCGAG-3'
Protein context (NP_000143.2, residues 232-252): LNTTVAPLFF[Ala242=]DQFLQLSTSL